The following is an entry in ClinVar:

NM_001134831.2(AHI1):c.599T>C (p.Met200Thr)

Gene: AHI1 (Abelson helper integration site 1; minus strand). Cytogenetic location: 6q23.3.
Variant type: single nucleotide variant.
Coding change: c.599T>C on transcript NM_001134831.2 (MANE Select); coding-DNA position 599, T replaced by C.
Protein change: p.Met200Thr; replaces methionine 200 with threonine.
Molecular consequence: missense variant.
Genome position (GRCh38, 1-based): chr6:135,465,964, A>G on the plus strand (T>C on the coding strand, the complement: AHI1 is on the minus strand). VCF-style: chr6-135465964-A-G. GRCh37 (hg19) VCF-style: chr6-135787102-A-G.
Other names: c.599T>C, p.Met200Thr (NM_001134830.2, NM_001134832.2, NM_001350503.2 and 2 more transcripts); short protein forms M200T.
Identifiers: ClinVar variation 1445415 (VCV001445415.5), dbSNP rs1024535791, ClinGen allele CA148149012.
Genomic context (GRCh38, chr6:135,465,964, plus strand): 5'-GGAAAGTAAGTCAACTGTTCTTTCAGTTTCTTTCTTATTTTCCTCTTAATCTCCTTTGCC[A>G]TTTCTTCAGTTACATGGCACTGATATGCTTGCATCAATTCTTCATCCTCTTCTAAATCAG-3'
Protein context (NP_001128303.1, residues 190-210): QAYQCHVTEE[Met200Thr]AKEIKRKIRK

ClinVar aggregate classification (germline): Uncertain significance (1 of 4 stars; one submission).

Conditions:
Joubert syndrome. Also called: CEREBELLOPARENCHYMAL DISORDER IV; JOUBERT-BOLTSHAUSER SYNDROME; Familial aplasia of the vermis. Identifiers: Orphanet 475, MedGen C5979921, MONDO:0018772.

Allele frequency attached by ClinVar (database versions not stated): gnomAD exomes below 0.00001; TOPMed below 0.00001.
gnomAD v4.1: 1 of 1,612,734 alleles (0.000062%); highest among the groups gnomAD compares: Non-Finnish European, 0.000085%; no homozygotes.

Submission:

Labcorp Genetics (formerly Invitae), Labcorp
Classification: Uncertain significance for Joubert syndrome. Last evaluated: 2022-06-13. Review status: criteria provided, single submitter. Criteria: Invitae Variant Classification Sherloc (09022015). Collection method: clinical testing. Allele origin: germline.
Comment: This sequence change replaces methionine, which is neutral and non-polar, with threonine, which is neutral and polar, at codon 200 of the AHI1 protein (p.Met200Thr). This variant is not present in population databases (gnomAD no frequency). This variant has not been reported in the literature in individuals affected with AHI1-related conditions. Advanced modeling of protein sequence and biophysical properties (such as structural, functional, and spatial information, amino acid conservation, physicochemical variation, residue mobility, and thermodynamic stability) performed at Invitae indicates that this missense variant is not expected to disrupt AHI1 protein function. In summary, the available evidence is currently insufficient to determine the role of this variant in disease. Therefore, it has been classified as a Variant of Uncertain Significance.